The following is an entry in ClinVar:

ClinVar aggregate classification (germline): Likely benign (1 of 4 stars; one submission).

gnomAD v4.1: 2 of 1,614,058 alleles (0.00012%); highest among the groups gnomAD compares: Non-Finnish European, 0.00017%; no homozygotes.

Submission:

CeGaT Center for Human Genetics Tuebingen
Classification: Likely benign. Last evaluated: 2026-08-01. Review status: criteria provided, single submitter. Criteria: CeGaT Center For Human Genetics Tuebingen Variant Classification Criteria Version 2. Collection method: clinical testing. Allele origin: germline. Affected: yes. Observed: 1 variant allele.
Comment: NLRP13: BP4, BP7

NM_176810.2(NLRP13):c.159G>T (p.Pro53=)

Gene: NLRP13 (NLR family pyrin domain containing 13; minus strand). Cytogenetic location: 19q13.43.
Variant type: single nucleotide variant.
Coding change: c.159G>T on transcript NM_176810.2 (MANE Select); coding-DNA position 159, G replaced by T.
Protein change: p.Pro53=; no amino-acid change (proline 53 retained).
Molecular consequence: synonymous variant.
Genome position (GRCh38, 1-based): chr19:55,932,153, C>A on the plus strand (G>T on the coding strand, the complement: NLRP13 is on the minus strand). VCF-style: chr19-55932153-C-A. GRCh37 (hg19) VCF-style: chr19-56443519-C-A.
Other names: c.159G>T, p.Pro53= (NM_001321057.1).
Identifiers: ClinVar variation 5040742 (VCV005040742.1).